The following is an entry in ClinVar:

ClinVar aggregate classification (germline): Uncertain significance (1 of 4 stars; one submission).

Conditions:
Myopathy, tubular aggregate, 2 (TAM2). Identifiers: MedGen C4014557, MONDO:0014383, OMIM 615883.
Combined immunodeficiency due to ORAI1 deficiency. Also called: IMMUNODEFICIENCY 9. Identifiers: Orphanet 169090, Orphanet 317428, MedGen C2748568, MONDO:0013007, OMIM 612782.

Allele frequency attached by ClinVar (database versions not stated): TOPMed below 0.00001.

Submission:

Labcorp Genetics (formerly Invitae), Labcorp
Classification: Uncertain significance for Myopathy, tubular aggregate, 2; Combined immunodeficiency due to ORAI1 deficiency. Last evaluated: 2022-11-01. Review status: criteria provided, single submitter. Criteria: Invitae Variant Classification Sherloc (09022015). Collection method: clinical testing. Allele origin: germline.
Comment: In summary, the available evidence is currently insufficient to determine the role of this variant in disease. Therefore, it has been classified as a Variant of Uncertain Significance. This variant has not been reported in the literature in individuals affected with ORAI1-related conditions. This variant is not present in population databases (gnomAD no frequency). This sequence change creates a premature translational stop signal (p.Trp55*) in the ORAI1 gene. However, it is currently unclear if variants that occur in this region of the gene cause disease.

NC_000012.12:g.121626911G>A

Genes: ORAI1 (ORAI calcium release-activated calcium modulator 1; plus strand), LOC130008987 (ATAC-STARR-seq lymphoblastoid silent region 4981; plus strand). Cytogenetic location: 12q24.31.
Variant type: single nucleotide variant.
Genome position: GRCh38 VCF-style: chr12-121626911-G-A. GRCh37 (hg19) VCF-style: chr12-122064817-G-A.
Other names: c.164G>A, p.Trp55Ter (NM_032790.4); short protein forms W55*.
Identifiers: ClinVar variation 1957362 (VCV001957362.5), dbSNP rs1892792286, ClinGen allele CA386980867.